The following is an entry in ClinVar:

NM_007129.5(ZIC2):c.980A>G (p.His327Arg)

Gene: ZIC2 (Zic family zinc finger 2; plus strand). Cytogenetic location: 13q32.3.
Variant type: single nucleotide variant.
Coding change: c.980A>G on transcript NM_007129.5 (MANE Select); coding-DNA position 980, A replaced by G.
Protein change: p.His327Arg; replaces histidine 327 with arginine.
Molecular consequence: missense variant.
Genome position (GRCh38, 1-based): chr13:99,983,044, A>G. VCF-style: chr13-99983044-A-G. GRCh37 (hg19) VCF-style: chr13-100635298-A-G.
Other names: short protein forms H327R.
Identifiers: ClinVar variation 4685710 (VCV004685710.1).

ClinVar aggregate classification (germline): Uncertain significance (1 of 4 stars; one submission).

Conditions:
Holoprosencephaly 5 (HPE5). Identifiers: Orphanet 2162, MedGen C1864827, MONDO:0012322, OMIM 609637.

Submission:

ARUP Laboratories, Molecular Genetics and Genomics, ARUP Laboratories
Classification: Uncertain significance for Holoprosencephaly 5. Last evaluated: 2025-03-24. Review status: criteria provided, single submitter. Criteria: ARUP Molecular Germline Variant Investigation Process 2024. Collection method: clinical testing. Allele origin: germline.
Comment: The ZIC2 c.980A>G; p.His327Arg variant (rs376670921), to our knowledge, is not reported in the medical literature or gene specific databases. This variant is also absent from the Genome Aggregation Database (v2.1.1), indicating it is not a common polymorphism. Computational analyses predict that this variant is deleterious (REVEL: 0.805). Additionally, another variant at this codon (c.979C>T; p.His327Tyr) has been reported in an individual with holoprosencephaly, although its clinical significance was not demonstrated (Roessler 2009). Due to limited information, the clinical significance of the p.His327Arg variant is uncertain at this time. References: Roessler E et al. The full spectrum of holoprosencephaly-associated mutations within the ZIC2 gene in humans predicts loss-of-function as the predominant disease mechanism. Hum Mutat. 2009 Apr;30(4):E541-54. PMID: 19177455.